The following is an entry in ClinVar:

NM_001267550.2(TTN):c.104993C>A (p.Thr34998Asn)

Genes: TTN-AS1 (TTN antisense RNA 1; plus strand), TTN (titin; minus strand). Cytogenetic location: 2q31.2.
Variant type: single nucleotide variant.
Coding change: c.104993C>A on transcript NM_001267550.2 (MANE Select); coding-DNA position 104993, C replaced by A.
Protein change: p.Thr34998Asn; replaces threonine 34998 with asparagine.
Molecular consequence: missense variant.
Genome position (GRCh38, 1-based): chr2:178,531,622, G>T on the plus strand (C>A on the coding strand, the complement: TTN is on the minus strand). VCF-style: chr2-178531622-G-T. GRCh37 (hg19) VCF-style: chr2-179396349-G-T.
Other names: c.97289C>A, p.Thr32430Asn (NM_133378.4); c.100070C>A, p.Thr33357Asn (NM_001256850.1); c.77798C>A, p.Thr25933Asn (NM_003319.4); c.78173C>A, p.Thr26058Asn (NM_133432.3); c.78374C>A, p.Thr26125Asn (NM_133437.4); short protein forms T34998N, T32430N, T26058N, T26125N, T25933N, T33357N.
Identifiers: ClinVar variation 47682 (VCV000047682.7), dbSNP rs397517794, ClinGen allele CA141707.

ClinVar aggregate classification (germline): Uncertain significance. Review status: criteria provided, multiple submitters, no conflicts (2 of 4 stars). 2 submissions from 2 submitters: Uncertain significance (2). Last evaluated 2026-01-27.

Conditions:
Dilated cardiomyopathy 1G (CMD1G). Identifiers: Orphanet 154, MedGen C1858763, MONDO:0011400, OMIM 604145.
Autosomal recessive limb-girdle muscular dystrophy type 2J (LGMDR10). Also called: Limb-girdle muscular dystrophy, type 2J; MUSCULAR DYSTROPHY, LIMB-GIRDLE, AUTOSOMAL RECESSIVE 10. Identifiers: Orphanet 140922, MedGen C1837342, MONDO:0012127, OMIM 608807.

gnomAD v4.1: 1 of 1,613,984 alleles (0.000062%); highest among the groups gnomAD compares: Non-Finnish European, 0.000085%; no homozygotes.

Submissions (2):

Labcorp Genetics (formerly Invitae), Labcorp
Classification: Uncertain significance for Dilated cardiomyopathy 1G; Autosomal recessive limb-girdle muscular dystrophy type 2J. Last evaluated: 2026-01-27. Review status: criteria provided, single submitter. Criteria: Invitae Variant Classification Sherloc (09022015). Collection method: clinical testing. Allele origin: germline.
Comment: This sequence change replaces threonine, which is neutral and polar, with asparagine, which is neutral and polar, at codon 34998 of the TTN protein (p.Thr34998Asn). This variant is not present in population databases (gnomAD no frequency). This variant has not been reported in the literature in individuals affected with TTN-related conditions. ClinVar contains an entry for this variant (Variation ID: 47682). Experimental studies and prediction algorithms are not available or were not evaluated, and the functional significance of this variant is currently unknown. This variant is located in the M band of TTN (PMID: 25589632). Non-truncating variants in this region may be relevant for neuromuscular disorders, but have not been definitively shown to cause cardiomyopathy (PMID: 23975875). In summary, the available evidence is currently insufficient to determine the role of this variant in disease. Therefore, it has been classified as a Variant of Uncertain Significance.

Laboratory for Molecular Medicine, Mass General Brigham Personalized Medicine
Classification: Uncertain significance. Last evaluated: 2012-10-03. Review status: criteria provided, single submitter. Criteria: LMM Criteria. Collection method: clinical testing. Allele origin: germline. Observed: 1 variant allele.
Comment: The Thr32430Asn variant in TTN has not been reported in the literature nor previ ously identified by our laboratory. Computational analyses (biochemical amino ac id properties, conservation, AlignGVGD, PolyPhen2, and SIFT) do not provide stro ng support for or against an impact to the protein. Additional information is ne eded to fully assess the clinical significance of this variant.

Literature cited by the submitters: PubMed 25589632 (cited by Labcorp Genetics (formerly Invitae), Labcorp); PubMed 23975875 (cited by Labcorp Genetics (formerly Invitae), Labcorp).